The following is an entry in ClinVar:

ClinVar aggregate classification (germline): Uncertain significance. Review status: criteria provided, multiple submitters, no conflicts (2 of 4 stars). 3 submissions from 3 submitters: Uncertain significance (3). Last evaluated 2026-07-07.

Conditions:
Hereditary nonpolyposis colorectal neoplasms. Identifiers: MedGen C0009405, MeSH D003123.
Hereditary cancer-predisposing syndrome. Also called: Tumor predisposition; Hereditary Cancer Syndrome; Hereditary neoplastic syndrome; Neoplastic Syndromes, Hereditary. Identifiers: Orphanet 140162, MedGen C0027672, MeSH D009386, MONDO:0015356.

Submissions (3):

Ambry Genetics
Classification: Uncertain significance for Hereditary cancer-predisposing syndrome. Last evaluated: 2026-07-07. Review status: criteria provided, single submitter. Criteria: Ambry Variant Classification Scheme 2023. Collection method: clinical testing. Allele origin: germline.
Comment: The p.Q894P variant (also known as c.2681A>C), located in coding exon 4 of the MSH6 gene, results from an A to C substitution at nucleotide position 2681. The glutamine at codon 894 is replaced by proline, an amino acid with similar properties. This amino acid position is conserved. In addition, the in silico prediction for this alteration is inconclusive. Based on the available evidence, the clinical significance of this variant remains unclear.

Labcorp Genetics (formerly Invitae), Labcorp
Classification: Uncertain significance for Hereditary nonpolyposis colorectal neoplasms. Last evaluated: 2025-03-07. Review status: criteria provided, single submitter. Criteria: Invitae Variant Classification Sherloc (09022015). Collection method: clinical testing. Allele origin: germline.
Comment: This sequence change replaces glutamine, which is neutral and polar, with proline, which is neutral and non-polar, at codon 894 of the MSH6 protein (p.Gln894Pro). This variant is not present in population databases (gnomAD no frequency). This variant has not been reported in the literature in individuals affected with MSH6-related conditions. ClinVar contains an entry for this variant (Variation ID: 1047746). Invitae Evidence Modeling of protein sequence and biophysical properties (such as structural, functional, and spatial information, amino acid conservation, physicochemical variation, residue mobility, and thermodynamic stability) indicates that this missense variant is not expected to disrupt MSH6 protein function with a negative predictive value of 95%. In summary, the available evidence is currently insufficient to determine the role of this variant in disease. Therefore, it has been classified as a Variant of Uncertain Significance.

GeneDx
Classification: Uncertain significance. Last evaluated: 2020-10-16. Review status: criteria provided, single submitter. Criteria: GeneDx Variant Classification Process June 2021. Collection method: clinical testing. Allele origin: germline. Affected: yes.
Comment: Not observed in large population cohorts (Lek 2016); In silico analysis supports that this missense variant does not alter protein structure/function; Has not been previously published as pathogenic or benign to our knowledge

NM_000179.3(MSH6):c.2681A>C (p.Gln894Pro)

Gene: MSH6 (mutS homolog 6; plus strand). Cytogenetic location: 2p16.3.
Variant type: single nucleotide variant.
Coding change: c.2681A>C on transcript NM_000179.3 (MANE Select); coding-DNA position 2681, A replaced by C.
Protein change: p.Gln894Pro; replaces glutamine 894 with proline.
Molecular consequence: missense variant.
Genome position (GRCh38, 1-based): chr2:47,800,664, A>C. VCF-style: chr2-47800664-A-C. GRCh37 (hg19) VCF-style: chr2-48027803-A-C.
Other names: c.2291A>C, p.Gln764Pro (NM_001281492.2); c.1775A>C, p.Gln592Pro (NM_001281493.2, NM_001281494.2); short protein forms Q764P, Q894P, Q592P.
Identifiers: ClinVar variation 1047746 (VCV001047746.11), dbSNP rs1669496676, ClinGen allele CA346755279.